The following is an entry in ClinVar:

NM_015041.3(CLUAP1):c.134+5G>T

Gene: CLUAP1 (clusterin associated protein 1; plus strand). Cytogenetic location: 16p13.3.
Variant type: single nucleotide variant.
Coding change: c.134+5G>T on transcript NM_015041.3 (MANE Select); 5 bases into the intron after coding-DNA position 134, G replaced by T.
Molecular consequence: intron variant.
Genome position (GRCh38, 1-based): chr16:3,504,836, G>T. VCF-style: chr16-3504836-G-T. GRCh37 (hg19) VCF-style: chr16-3554836-G-T.
Other names: c.134+5G>T (NM_001330454.2).
Identifiers: ClinVar variation 3642114 (VCV003642114.2).

ClinVar aggregate classification (germline): Uncertain significance (1 of 4 stars; one submission).

Submission:

Labcorp Genetics (formerly Invitae), Labcorp
Classification: Uncertain significance. Last evaluated: 2024-02-19. Review status: criteria provided, single submitter. Criteria: Invitae Variant Classification Sherloc (09022015). Collection method: clinical testing. Allele origin: germline.
Comment: This sequence change falls in intron 2 of the CLUAP1 gene. It does not directly change the encoded amino acid sequence of the CLUAP1 protein. It affects a nucleotide within the consensus splice site. This variant is not present in population databases (gnomAD no frequency). This variant has not been reported in the literature in individuals affected with CLUAP1-related conditions. Variants that disrupt the consensus splice site are a relatively common cause of aberrant splicing (PMID: 17576681, 9536098). Algorithms developed to predict the effect of sequence changes on RNA splicing suggest that this variant may disrupt the consensus splice site. In summary, the available evidence is currently insufficient to determine the role of this variant in disease. Therefore, it has been classified as a Variant of Uncertain Significance.

Literature cited by the submitters: PubMed 17576681; PubMed 9536098.